The following is an entry in ClinVar:

NM_003482.4(KMT2D):c.12863_12869del (p.Arg4288fs)

Gene: KMT2D (lysine methyltransferase 2D; minus strand). Cytogenetic location: 12q13.12.
Variant type: Deletion.
Coding change: c.12863_12869del on transcript NM_003482.4 (MANE Select); coding-DNA positions 12863 to 12869, 7 bases deleted (GGCTCCC; older notation c.12863_12869delGGCTCCC).
Protein change: p.Arg4288fs; shifts the reading frame from arginine 4288.
Molecular consequence: frameshift variant.
Genome position (GRCh38, 1-based): chr12:49,031,836-49,031,842, GGGAGCC deleted on the plus strand (GGCTCCC on the coding strand, the reverse complement: KMT2D is on the minus strand); deleting any 7 consecutive bases within chr12:49,031,836-49,031,845 gives the same sequence; the c. name uses the placement nearest the transcript's 3' end. VCF-style (leftmost placement, unchanged base first): chr12-49031835-AGGGAGCC-A. GRCh37 (hg19) VCF-style: chr12-49425618-AGGGAGCC-A.
Other names: short protein forms R4288fs.
Identifiers: ClinVar variation 2094946 (VCV002094946.4), dbSNP rs2498353923, ClinGen allele CA2580085606.

ClinVar aggregate classification (germline): Pathogenic (1 of 4 stars; one submission).

Conditions:
Kabuki syndrome. Also called: Kabuki make-up syndrome; NIIKAWA-KUROKI SYNDROME. Identifiers: Orphanet 2322, MedGen C0796004, MONDO:0016512.

Submission:

Labcorp Genetics (formerly Invitae), Labcorp
Classification: Pathogenic for Kabuki syndrome. Last evaluated: 2026-01-12. Review status: criteria provided, single submitter. Criteria: Invitae Variant Classification Sherloc (09022015). Collection method: clinical testing. Allele origin: germline.
Comment: This sequence change creates a premature translational stop signal (p.Arg4288Leufs*94) in the KMT2D gene. It is expected to result in an absent or disrupted protein product. Loss-of-function variants in KMT2D are known to be pathogenic (PMID: 22126750). This variant is not present in population databases (gnomAD no frequency). This variant has not been reported in the literature in individuals affected with KMT2D-related conditions. ClinVar contains an entry for this variant (Variation ID: 2094946). For these reasons, this variant has been classified as Pathogenic.

Literature cited by the submitters: PubMed 22126750.